The following is an entry in ClinVar:

ClinVar aggregate classification (germline): Uncertain significance. Review status: criteria provided, multiple submitters, no conflicts (2 of 4 stars). 2 submissions from 2 submitters: Uncertain significance (2). Last evaluated 2025-04-01.

Submissions (2):

Labcorp Genetics (formerly Invitae), Labcorp
Classification: Uncertain significance. Last evaluated: 2025-04-01. Review status: criteria provided, single submitter. Criteria: Invitae Variant Classification Sherloc (09022015). Collection method: clinical testing. Allele origin: germline.
Comment: This sequence change replaces alanine, which is neutral and non-polar, with valine, which is neutral and non-polar, at codon 1186 of the SMARCA2 protein (p.Ala1186Val). This variant is not present in population databases (gnomAD no frequency). This variant has not been reported in the literature in individuals affected with SMARCA2-related conditions. ClinVar contains an entry for this variant (Variation ID: 3370675). Invitae Evidence Modeling of protein sequence and biophysical properties (such as structural, functional, and spatial information, amino acid conservation, physicochemical variation, residue mobility, and thermodynamic stability) indicates that this missense variant is expected to disrupt SMARCA2 protein function with a positive predictive value of 80%. In summary, the available evidence is currently insufficient to determine the role of this variant in disease. Therefore, it has been classified as a Variant of Uncertain Significance.

GeneDx
Classification: Uncertain significance. Last evaluated: 2025-01-22. Review status: criteria provided, single submitter. Criteria: GeneDx Variant Classification Process June 2021. Collection method: clinical testing. Allele origin: germline. Affected: yes.
Comment: Not observed at significant frequency in large population cohorts (gnomAD); In silico analysis supports that this missense variant has a deleterious effect on protein structure/function; Has not been previously published as pathogenic or benign to our knowledge

NM_003070.5(SMARCA2):c.3557C>T (p.Ala1186Val)

Gene: SMARCA2 (SWI/SNF related BAF chromatin remodeling complex subunit ATPase 2; plus strand). Cytogenetic location: 9p24.3.
Variant type: single nucleotide variant.
Coding change: c.3557C>T on transcript NM_003070.5 (MANE Select); coding-DNA position 3557, C replaced by T.
Protein change: p.Ala1186Val; replaces alanine 1186 with valine.
Molecular consequence: missense variant.
Genome position (GRCh38, 1-based): chr9:2,115,922, C>T. VCF-style: chr9-2115922-C-T. GRCh37 (hg19) VCF-style: chr9-2115922-C-T.
Other names: c.3557C>T, p.Ala1186Val (NM_001289396.2, NM_139045.4); c.3383C>T, p.Ala1128Val (NM_001289397.2); short protein forms A1128V, A1186V.
Identifiers: ClinVar variation 3370675 (VCV003370675.3).